The following is an entry in ClinVar:

NM_005334.3(HCFC1):c.2685C>T (p.Ala895=)

Gene: HCFC1 (host cell factor C1; minus strand). Cytogenetic location: Xq28.
Variant type: single nucleotide variant.
Coding change: c.2685C>T on transcript NM_005334.3 (MANE Select); coding-DNA position 2685, C replaced by T.
Protein change: p.Ala895=; no amino-acid change (alanine 895 retained).
Molecular consequence: synonymous variant.
Genome position (GRCh38, 1-based): chrX:153,956,362, G>A on the plus strand (C>T on the coding strand, the complement: HCFC1 is on the minus strand). VCF-style: chrX-153956362-G-A. GRCh37 (hg19) VCF-style: chrX-153221813-G-A.
Identifiers: ClinVar variation 1166285 (VCV001166285.33), dbSNP rs782774910, ClinGen allele CA10557287.

ClinVar aggregate classification (germline): Benign/Likely benign. Review status: criteria provided, multiple submitters, no conflicts (2 of 4 stars). 2 submissions from 2 submitters: Benign (1); Likely benign (1). Last evaluated 2026-01-25.

Conditions:
Methylmalonic acidemia with homocystinuria, type cblX (MAHCX). Also called: INTELLECTUAL DEVELOPMENTAL DISORDER, X-LINKED 3. Identifiers: Orphanet 369962, MedGen C0796208, MONDO:0010657, OMIM 309541.

Allele frequency attached by ClinVar (database versions not stated): gnomAD 0.00001; gnomAD exomes 0.00001 and 0.00002; TOPMed 0.00001; ExAC 0.00003.
gnomAD v4.1: 16 of 1,210,904 alleles (0.0013%); highest among the groups gnomAD compares: East Asian, 0.003%; no homozygotes.

Submissions (2):

Labcorp Genetics (formerly Invitae), Labcorp
Classification: Benign for Methylmalonic acidemia with homocystinuria, type cblX. Last evaluated: 2026-01-25. Review status: criteria provided, single submitter. Criteria: Invitae Variant Classification Sherloc (09022015). Collection method: clinical testing. Allele origin: germline.

CeGaT Center for Human Genetics Tuebingen
Classification: Likely benign. Last evaluated: 2023-02-01. Review status: criteria provided, single submitter. Criteria: CeGaT Center For Human Genetics Tuebingen Variant Classification Criteria Version 2. Collection method: clinical testing. Allele origin: germline. Affected: yes. Observed: 1 variant allele.
Comment: HCFC1: BP4, BP7, BS2